The following is an entry in ClinVar:

NM_001128159.3(VPS53):c.2458C>G (p.Arg820Gly)

Gene: VPS53 (VPS53 subunit of GARP complex; minus strand). Cytogenetic location: 17p13.3.
Variant type: single nucleotide variant.
Coding change: c.2458C>G on transcript NM_001128159.3 (MANE Select); coding-DNA position 2458, C replaced by G.
Protein change: p.Arg820Gly; replaces arginine 820 with glycine.
Molecular consequence: missense variant.
Genome position (GRCh38, 1-based): chr17:519,169, G>C on the plus strand (C>G on the coding strand, the complement: VPS53 is on the minus strand). VCF-style: chr17-519169-G-C. GRCh37 (hg19) VCF-style: chr17-422409-G-C.
Other names: short protein forms R820G.
Identifiers: ClinVar variation 1336882 (VCV001336882.8), dbSNP rs561656938, ClinGen allele CA8261134.

ClinVar aggregate classification (germline): Conflicting classifications of pathogenicity. Review status: criteria provided, conflicting classifications (1 of 4 stars). 3 submissions from 3 submitters: Uncertain significance (1); Likely benign (2). Last evaluated 2025-12-21.

Allele frequency attached by ClinVar (database versions not stated): 1000 Genomes Project 0.00080; ExAC 0.00087; 1000 Genomes Project 30x 0.00062; TOPMed 0.00001.
gnomAD v4.1: 231 of 1,545,532 alleles (0.015%); highest among the groups gnomAD compares: South Asian, 0.27%; no homozygotes.

Submissions (3):

Labcorp Genetics (formerly Invitae), Labcorp
Classification: Likely benign. Last evaluated: 2025-12-21. Review status: criteria provided, single submitter. Criteria: Invitae Variant Classification Sherloc (09022015). Collection method: clinical testing. Allele origin: germline.

Women's Health and Genetics/Laboratory Corporation of America, LabCorp
Classification: Likely benign. Last evaluated: 2022-05-04. Review status: criteria provided, single submitter. Criteria: LabCorp Variant Classification Summary - May 2015. Collection method: clinical testing. Allele origin: germline.
Comment: Variant summary: VPS53 c.2458C>G (p.Arg820Gly) results in a non-conservative amino acid change in the encoded protein sequence. Three of five in-silico tools predict a damaging effect of the variant on protein function. The variant allele was found at a frequency of 0.00039 in 150220 control chromosomes, predominantly at a frequency of 0.0026 within the South Asian subpopulation in the gnomAD database. The observed variant frequency within South Asian control individuals in the gnomAD database is approximately 2.3 fold of the estimated maximal expected allele frequency for a pathogenic variant in VPS53 causing Pontocerebellar Hypoplasia, Type 2E phenotype (0.0011), strongly suggesting that the variant is a benign polymorphism found primarily in populations of South Asian origin. To our knowledge, no occurrence of c.2458C>G in individuals affected with Pontocerebellar Hypoplasia, Type 2E and no experimental evidence demonstrating its impact on protein function have been reported. One clinical diagnostic laboratory has submitted clinical-significance assessments for this variant to ClinVar after 2014 without evidence for independent evaluation and classified the variant as uncertain significance. Based on the evidence outlined above, the variant was classified as likely benign.

Genetic Services Laboratory, University of Chicago
Classification: Uncertain significance. Last evaluated: 2018-11-01. Review status: criteria provided, single submitter. Criteria: ACMG Guidelines, 2015. Collection method: clinical testing. Allele origin: germline. Affected: no.